The following is an entry in ClinVar:

ClinVar aggregate classification (germline): Likely pathogenic (1 of 4 stars; one submission).

Submission:

Labcorp Genetics (formerly Invitae), Labcorp
Classification: Likely pathogenic. Last evaluated: 2022-07-05. Review status: criteria provided, single submitter. Criteria: Invitae Variant Classification Sherloc (09022015). Collection method: clinical testing. Allele origin: germline.
Comment: This sequence change affects a donor splice site in intron 24 of the GOLGA2 gene. It is expected to disrupt RNA splicing. Variants that disrupt the donor or acceptor splice site typically lead to a loss of protein function (PMID: 16199547), and loss-of-function variants in GOLGA2 are known to be pathogenic (PMID: 26742501, 30237576, 34424553). This variant is not present in population databases (gnomAD no frequency). This variant has not been reported in the literature in individuals affected with GOLGA2-related conditions. Algorithms developed to predict the effect of sequence changes on RNA splicing suggest that this variant may disrupt the consensus splice site. In summary, the currently available evidence indicates that the variant is pathogenic, but additional data are needed to prove that conclusively. Therefore, this variant has been classified as Likely Pathogenic.

Literature cited by the submitters: PubMed 16199547; PubMed 26742501; PubMed 30237576; PubMed 34424553.

NM_001366244.2(GOLGA2):c.2718+2T>C

Gene: GOLGA2 (golgin A2; minus strand). Cytogenetic location: 9q34.11.
Variant type: single nucleotide variant.
Coding change: c.2718+2T>C on transcript NM_001366244.2 (MANE Select); the canonical splice donor site of the intron after coding-DNA position 2718, T replaced by C.
Molecular consequence: splice donor variant.
Genome position (GRCh38, 1-based): chr9:128,257,599, A>G on the plus strand (T>C on the coding strand, the complement: GOLGA2 is on the minus strand). VCF-style: chr9-128257599-A-G. GRCh37 (hg19) VCF-style: chr9-131019878-A-G.
Other names: c.2244+2T>C (NM_001389705.2); c.2265+2T>C (NM_001389704.2); c.2532+2T>C (NM_001389702.2); c.2517+2T>C (NM_001389703.2); c.2556+2T>C (NM_001389701.2); c.2598+2T>C (NM_001389700.2, NM_001389699.2); c.2637+2T>C (NM_004486.6, NM_001366246.2); c.2625+2T>C (NM_001389697.2); and 3 more.
Identifiers: ClinVar variation 2177033 (VCV002177033.1), dbSNP rs2539176777, ClinGen allele CA375004838.
Genomic context (GRCh38, chr9:128,257,599, plus strand): 5'-TGCTAAGCTGCCATGCCCATGCCCGTGCCCACCTCCACCCCCAGAGATGTTCCACACCCT[A>G]CCTTCATCTCCTCCTTGTCTTGGGCCAGCCTGCTGATGTACTCCTCCTTCTCCCGGTGCC-3'